The following is an entry in ClinVar:

NM_000059.4(BRCA2):c.137C>G (p.Pro46Arg)

Gene: BRCA2 (BRCA2 DNA repair associated; plus strand). Cytogenetic location: 13q13.1.
Variant type: single nucleotide variant.
Coding change: c.137C>G on transcript NM_000059.4 (MANE Select); coding-DNA position 137, C replaced by G.
Protein change: p.Pro46Arg; replaces proline 46 with arginine.
Molecular consequence: missense variant.
Genome position (GRCh38, 1-based): chr13:32,319,146, C>G. VCF-style: chr13-32319146-C-G. GRCh37 (hg19) VCF-style: chr13-32893283-C-G.
Other names: short protein forms P46R.
Identifiers: ClinVar variation 641957 (VCV000641957.16), dbSNP rs1216148236, ClinGen allele CA387754256.

ClinVar aggregate classification (germline): Conflicting classifications of pathogenicity. Review status: criteria provided, conflicting classifications (1 of 4 stars). 3 submissions from 3 submitters: Uncertain significance (2); Likely benign (1). Last evaluated 2024-11-26.

Conditions:
Hereditary cancer-predisposing syndrome. Also called: Neoplastic Syndromes, Hereditary; Tumor predisposition; Hereditary neoplastic syndrome; Hereditary Cancer Syndrome. Identifiers: Orphanet 140162, MedGen C0027672, MeSH D009386, MONDO:0015356.
Hereditary breast ovarian cancer syndrome. Also called: Hereditary breast and ovarian cancer; Hereditary breast and ovarian cancer syndrome; Hereditary breast and ovarian cancer syndrome (HBOC); Hereditary breast and/or ovarian cancer syndrome; Breast and ovarian cancer; BRCA1- and BRCA2-Associated Hereditary Breast and Ovarian Cancer. Identifiers: Orphanet 145, MedGen C0677776, MeSH D061325, MONDO:0003582. Disease mechanism: loss of function.

Submissions (3):

Ambry Genetics
Classification: Likely benign for Hereditary cancer-predisposing syndrome. Last evaluated: 2024-11-26. Review status: criteria provided, single submitter. Criteria: Ambry Variant Classification Scheme 2023. Collection method: clinical testing. Allele origin: germline.

Color Diagnostics, LLC DBA Color Health
Classification: Uncertain significance for Hereditary cancer-predisposing syndrome. Last evaluated: 2024-03-06. Review status: criteria provided, single submitter. Criteria: ACMG Guidelines, 2015. Collection method: clinical testing. Allele origin: germline.
Comment: This missense variant replaces proline with arginine at codon 46 of the BRCA2 protein. Computational prediction tool suggests that this variant may not impact protein structure and function (internally defined REVEL score threshold <=0.5, PMID: 27666373). Splice site prediction tools suggest that this variant may not impact RNA splicing. To our knowledge, functional studies have not been performed for this variant. This variant has not been reported in individuals affected with hereditary cancer in the literature. This variant has not been identified in the general population by the Genome Aggregation Database (gnomAD). The available evidence is insufficient to determine the role of this variant in disease conclusively. Therefore, this variant is classified as a Variant of Uncertain Significance.

Labcorp Genetics (formerly Invitae), Labcorp
Classification: Uncertain significance for Hereditary breast ovarian cancer syndrome. Last evaluated: 2019-12-01. Review status: criteria provided, single submitter. Criteria: Invitae Variant Classification Sherloc (09022015). Collection method: clinical testing. Allele origin: germline.
Comment: In summary, the available evidence is currently insufficient to determine the role of this variant in disease. Therefore, it has been classified as a Variant of Uncertain Significance. Algorithms developed to predict the effect of missense changes on protein structure and function are either unavailable or do not agree on the potential impact of this missense change (SIFT: "Tolerated"; PolyPhen-2: "Probably Damaging"; Align-GVGD: "Class C0"). This variant has not been reported in the literature in individuals with BRCA2-related disease. This variant is not present in population databases (ExAC no frequency). This sequence change replaces proline with arginine at codon 46 of the BRCA2 protein (p.Pro46Arg). The proline residue is weakly conserved and there is a moderate physicochemical difference between proline and arginine.